The following is an entry in ClinVar:

ClinVar aggregate classification (germline): Uncertain significance (1 of 4 stars; one submission).

Submission:

GeneDx
Classification: Uncertain significance. Last evaluated: 2024-05-07. Review status: criteria provided, single submitter. Criteria: GeneDx Variant Classification Process June 2021. Collection method: clinical testing. Allele origin: germline. Affected: yes.
Comment: Not observed at significant frequency in large population cohorts (gnomAD); In-frame deletion of one amino acid in a non-repeat region; In silico analysis supports a deleterious effect on protein structure/function; Has not been previously published as pathogenic or benign to our knowledge

NM_002335.4(LRP5):c.701_703del (p.Glu234del)

Gene: LRP5 (LDL receptor related protein 5; plus strand). Cytogenetic location: 11q13.2.
Variant type: Deletion.
Coding change: c.701_703del on transcript NM_002335.4 (MANE Select); coding-DNA positions 701 to 703, 3 bases deleted (AGG; older notation c.701_703delAGG).
Protein change: p.Glu234del; deletes glutamic acid 234.
Molecular consequence: 5 prime UTR variant (on NM_001291902.2).
Genome position (GRCh38, 1-based): chr11:68,363,761-68,363,763, AGG deleted; deleting any 3 consecutive bases within chr11:68,363,759-68,363,763 gives the same sequence; the c. name uses the placement nearest the transcript's 3' end. VCF-style (leftmost placement, unchanged base first): chr11-68363758-TGGA-T. GRCh37 (hg19) VCF-style: chr11-68131226-TGGA-T.
Other names: c.-1065_-1063del (NM_001291902.2); short protein forms E234del.
Identifiers: ClinVar variation 3376102 (VCV003376102.1).
Genomic context (GRCh38, chr11:68,363,758, plus strand): 5'-GTCGGGGGACCCTCCTGATGGCTCCTCCACCCCGCTTCCCTGACTGCAGGCAGAAGGTGG[TGGA>T]GGGCAGCCTGACGCACCCCTTCGCCCTGACGCTCTCCGGGGACACTCTGTACTGGACAGA-3'